The following is an entry in ClinVar:

NM_002480.3(PPP1R12A):c.329T>A (p.Leu110Gln)

Gene: PPP1R12A (protein phosphatase 1 regulatory subunit 12A; minus strand). Cytogenetic location: 12q21.2.
Variant type: single nucleotide variant.
Coding change: c.329T>A on transcript NM_002480.3 (MANE Select); coding-DNA position 329, T replaced by A.
Protein change: p.Leu110Gln; replaces leucine 110 with glutamine.
Molecular consequence: missense variant.
Genome position (GRCh38, 1-based): chr12:79,872,847, A>T on the plus strand (T>A on the coding strand, the complement: PPP1R12A is on the minus strand). VCF-style: chr12-79872847-A-T. GRCh37 (hg19) VCF-style: chr12-80266627-A-T.
Other names: c.329T>A, p.Leu110Gln (NM_001143885.2, NM_001244990.2, NM_001244992.1); c.68T>A, p.Leu23Gln (NM_001143886.2); short protein forms L110Q, L23Q.
Identifiers: ClinVar variation 3251280 (VCV003251280.1), dbSNP rs2548018046.

ClinVar aggregate classification (germline): Likely pathogenic (1 of 4 stars; one submission).

Conditions:
Genitourinary and/or brain malformation syndrome (GUBS). Also called: PPP1R12A-Related Urogenital and/or Brain Malformation Syndrome. Identifiers: MedGen C5394158, MONDO:0032934, OMIM 618820.

Submission:

Women's Health and Genetics/Laboratory Corporation of America, LabCorp
Classification: Likely pathogenic for Genitourinary and/or brain malformation syndrome. Last evaluated: 2024-04-15. Review status: criteria provided, single submitter. Criteria: LabCorp Variant Classification Summary - May 2015. Collection method: clinical testing. Allele origin: germline.
Comment: Variant summary: PPP1R12A c.329T>A (p.Leu110Gln) results in a non-conservative amino acid change located in the Ankyrin repeat (IPR002110) of the encoded protein sequence. Five of five in-silico tools predict a damaging effect of the variant on protein function. The variant was absent in 248754 control chromosomes. c.329T>A has been reported and a de novo variant in at least one individual affected with features of Genitourinary And/or Brain Malformation Syndrome (internal testing). These data suggest the variant is likely to be associated with disease. To our knowledge, no experimental evidence demonstrating an impact on protein function has been reported. No submitters have cited clinical-significance assessments for this variant to ClinVar. Based on the evidence outlined above, the variant was classified as likely pathogenic.